The following is an entry in ClinVar:

ClinVar aggregate classification (germline): Uncertain significance (1 of 4 stars; one submission).

Submission:

Labcorp Genetics (formerly Invitae), Labcorp
Classification: Uncertain significance. Last evaluated: 2022-07-05. Review status: criteria provided, single submitter. Criteria: Invitae Variant Classification Sherloc (09022015). Collection method: clinical testing. Allele origin: germline.
Comment: In summary, the available evidence is currently insufficient to determine the role of this variant in disease. Therefore, it has been classified as a Variant of Uncertain Significance. Algorithms developed to predict the effect of missense changes on protein structure and function are either unavailable or do not agree on the potential impact of this missense change (SIFT: "Deleterious"; PolyPhen-2: "Probably Damaging"; Align-GVGD: "Class C0"). This variant has not been reported in the literature in individuals affected with ADAMTSL4-related conditions. This variant is not present in population databases (gnomAD no frequency). This sequence change replaces proline, which is neutral and non-polar, with threonine, which is neutral and polar, at codon 1073 of the ADAMTSL4 protein (p.Pro1073Thr).

NM_019032.6(ADAMTSL4):c.3217C>A (p.Pro1073Thr)

Gene: ADAMTSL4 (ADAMTS like 4; plus strand). Cytogenetic location: 1q21.2.
Variant type: single nucleotide variant.
Coding change: c.3217C>A on transcript NM_019032.6 (MANE Select); coding-DNA position 3217, C replaced by A.
Protein change: p.Pro1073Thr; replaces proline 1073 with threonine.
Molecular consequence: missense variant.
Genome position (GRCh38, 1-based): chr1:150,560,188, C>A. VCF-style: chr1-150560188-C-A. GRCh37 (hg19) VCF-style: chr1-150532664-C-A.
Other names: c.3100C>A, p.Pro1034Thr (NM_001288607.2); c.3286C>A, p.Pro1096Thr (NM_001288608.2); c.3217C>A, p.Pro1073Thr (NM_001378596.1); short protein forms P1034T, P1096T, P1073T.
Identifiers: ClinVar variation 2060592 (VCV002060592.2), dbSNP rs2526802885, ClinGen allele CA342319526.